The following is an entry in ClinVar:

NM_001278512.2(AP3B2):c.3264C>T (p.Gly1088=)

Genes: AP3B2 (adaptor related protein complex 3 subunit beta 2; minus strand), CPEB1-AS1 (CPEB1 antisense RNA 1; plus strand). Cytogenetic location: 15q25.2.
Variant type: single nucleotide variant.
Coding change: c.3264C>T on transcript NM_001278512.2 (MANE Select); coding-DNA position 3264, C replaced by T.
Protein change: p.Gly1088=; no amino-acid change (glycine 1088 retained).
Molecular consequence: synonymous variant.
Genome position (GRCh38, 1-based): chr15:82,659,602, G>A on the plus strand (C>T on the coding strand, the complement: AP3B2 is on the minus strand). VCF-style: chr15-82659602-G-A. GRCh37 (hg19) VCF-style: chr15-83328354-G-A.
Other names: c.3111C>T, p.Gly1037= (NM_001278511.2); c.396C>T, p.Gly132= (NM_001348441.2); c.3207C>T, p.Gly1069= (NM_004644.5); c.3207C>T (NM_004644.4).
Identifiers: ClinVar variation 1675019 (VCV001675019.10), dbSNP rs367638774, ClinGen allele CA7699651.

ClinVar aggregate classification (germline): Likely benign. Review status: criteria provided, multiple submitters, no conflicts (2 of 4 stars). 2 submissions from 2 submitters: Likely benign (2). Last evaluated 2026-02-03.

Conditions:
AP3B2-related disorder. Also called: AP3B2-related condition.

Allele frequency attached by ClinVar (database versions not stated): ESP Exome Variant Server 0.00008; gnomAD 0.00015 and 0.00018; TOPMed 0.00025.
gnomAD v4.1: 60 of 1,613,814 alleles (0.0037%); highest among the groups gnomAD compares: African/African-American, 0.071%; no homozygotes.

Submissions (2):

Labcorp Genetics (formerly Invitae), Labcorp
Classification: Likely benign. Last evaluated: 2026-02-03. Review status: criteria provided, single submitter. Criteria: Invitae Variant Classification Sherloc (09022015). Collection method: clinical testing. Allele origin: germline.

PreventionGenetics, part of Exact Sciences
Classification: Likely benign for AP3B2-related condition. Last evaluated: 2024-12-08. Review status: criteria provided, single submitter. Criteria: ACMG Guidelines, 2015. Collection method: clinical testing. Allele origin: germline.
Comment: This variant is classified as likely benign based on ACMG/AMP sequence variant interpretation guidelines (Richards et al. 2015 PMID: 25741868, with internal and published modifications).